The following is an entry in ClinVar:

ClinVar aggregate classification (germline): Uncertain significance. Review status: criteria provided, multiple submitters, no conflicts (2 of 4 stars). 8 submissions from 8 submitters: Uncertain significance (6). 2 of the submissions do not count toward it. Last evaluated 2025-10-23.

Conditions:
Cardiovascular phenotype. Identifiers: MedGen CN230736.
Cardiomyopathy (CMYO). Also called: Cardiomyopathies. Identifiers: Orphanet 167848, MedGen C0878544, MONDO:0004994, HP:0001638. Inheritance: Various modes of inheritance.
Hypertrophic cardiomyopathy. Also called: HYPERTROPHIC MYOCARDIOPATHY. Identifiers: Orphanet 217569, MedGen C0007194, MeSH D002312, MONDO:0005045, HP:0001639.

Allele frequency attached by ClinVar (database versions not stated): TOPMed 0.00001; gnomAD 0.00002 and 0.00003; gnomAD exomes 0.00002 and 0.00004; ExAC 0.00007; 1000 Genomes Project 30x 0.00016; 1000 Genomes Project 0.00020.
gnomAD v4.1: 28 of 1,609,026 alleles (0.0017%); highest among the groups gnomAD compares: South Asian, 0.014%; no homozygotes.

Submissions (8):

Labcorp Genetics (formerly Invitae), Labcorp
Classification: Uncertain significance for Hypertrophic cardiomyopathy. Last evaluated: 2025-10-23. Review status: criteria provided, single submitter. Criteria: Invitae Variant Classification Sherloc (09022015). Collection method: clinical testing. Allele origin: germline.
Comment: This sequence change replaces alanine, which is neutral and non-polar, with threonine, which is neutral and polar, at codon 1035 of the MYBPC3 protein (p.Ala1035Thr). This variant is present in population databases (rs552505566, gnomAD 0.02%). This missense change has been observed in individual(s) with hypertrophic cardiomyopathy (PMID: 27600940, 30847666). ClinVar contains an entry for this variant (Variation ID: 188575). An algorithm developed to predict the effect of missense changes on protein structure and function (PolyPhen-2) suggests that this variant is likely to be tolerated. In summary, the available evidence is currently insufficient to determine the role of this variant in disease. Therefore, it has been classified as a Variant of Uncertain Significance.

Color Diagnostics, LLC DBA Color Health
Classification: Uncertain significance for Cardiomyopathy. Last evaluated: 2024-05-22. Review status: criteria provided, single submitter. Criteria: ACMG Guidelines, 2015. Collection method: clinical testing. Allele origin: germline.
Comment: This missense variant replaces alanine with threonine at codon 1035 of the MYBPC3 protein. Computational prediction tools indicate that this variant has a neutral impact on protein structure and function. To our knowledge, functional studies have not been reported for this variant. This variant has been reported in two individuals affected with hypertrophic cardiomyopathy (PMID: 27600940, 30847666). It has also been reported in one individual affected with Loeys-Dietz syndrome and and biventricular hypertrophic cardiomyopathy who also carried an additional variant in the TGFBR2 gene (PMID: 36328362). This variant has been identified in 9/245694 chromosomes in the general population by the Genome Aggregation Database (gnomAD). The available evidence is insufficient to determine the role of this variant in disease conclusively. Therefore, this variant is classified as a Variant of Uncertain Significance.

All of Us Research Program, National Institutes of Health
Classification: Uncertain significance for Hypertrophic cardiomyopathy. Last evaluated: 2023-12-01. Review status: criteria provided, single submitter. Criteria: ACMG Guidelines, 2015. Collection method: clinical testing. Allele origin: germline. Inheritance: Autosomal dominant inheritance. Observed: 5 variant alleles, 5 heterozygotes.
Comment: This missense variant replaces alanine with threonine at codon 1035 of the MYBPC3 protein. Computational prediction suggests that this variant may not impact protein structure and function (internally defined REVEL score threshold <= 0.5, PMID: 27666373). To our knowledge, functional studies have not been reported for this variant. This variant has been reported in individuals affected with hypertrophic cardiomyopathy (PMID: 27600940, 30847666). This variant has been identified in 9/245694 chromosomes in the general population by the Genome Aggregation Database (gnomAD). The available evidence is insufficient to determine the role of this variant in disease conclusively. Therefore, this variant is classified as a Variant of Uncertain Significance.

This study involves interpretation of variants in research participants for the purpose of population health screening. Participant phenotype was not available at the time of variant classification. Additional details can be found in publication PMID: 35346344, PMCID: PMC8962531

Ambry Genetics
Classification: Uncertain significance for Cardiovascular phenotype. Last evaluated: 2023-07-21. Review status: criteria provided, single submitter. Criteria: Ambry Variant Classification Scheme 2023. Collection method: clinical testing. Allele origin: germline.
Comment: The p.A1035T variant (also known as c.3103G>A), located in coding exon 29 of the MYBPC3 gene, results from a G to A substitution at nucleotide position 3103. The alanine at codon 1035 is replaced by threonine, an amino acid with similar properties. This variant has been detected in hypertrophic cardiomyopathy (HCM) or HCM genetic testing cohorts; however, details were limited (Cecconi M et al. Int J Mol Med, 2016 Oct;38:1111-24; van Lint FHM et al. Neth Heart J, 2019 Jun;27:304-309). This variant co-occurred with a variant in the TGFBR2 gene in an infant with features of Loeys-Dietz syndrome, seizures, biventricular HCM, and aortic coarctation (Akbar A et al. BMJ Case Rep, 2022 Nov;15). This amino acid position is well conserved in available vertebrate species. In addition, this alteration is predicted to be tolerated by in silico analysis. Since supporting evidence is limited at this time, the clinical significance of this alteration remains unclear.

Clinical Genetics Laboratory, Skane University Hospital Lund
Classification: Uncertain significance. Last evaluated: 2022-05-27. Review status: criteria provided, single submitter. Criteria: ACMG Guidelines, 2015. Collection method: clinical testing. Allele origin: germline. Affected: yes.

GeneDx
Classification: Uncertain significance. Last evaluated: 2020-12-17. Review status: criteria provided, single submitter. Criteria: GeneDx Variant Classification Process June 2021. Collection method: clinical testing. Allele origin: germline. Affected: yes.
Comment: Reported in ClinVar as a variant of uncertain significance (ClinVar Variant ID# 188575; Landrum et al., 2016); In silico analysis supports that this missense variant has a deleterious effect on protein structure/function; This variant is associated with the following publications: (PMID: 27600940, 30847666)

Clinical Genetics DNA and cytogenetics Diagnostics Lab, Erasmus MC, Erasmus Medical Center
Classification: Uncertain significance. Review status: no assertion criteria provided. Collection method: clinical testing. Allele origin: germline. Affected: yes. Study: VKGL Data-share Consensus. Not counted in ClinVar's aggregate classification.

Clinical Genetics, Academic Medical Center
Classification: Uncertain significance. Review status: no assertion criteria provided. Collection method: clinical testing. Allele origin: germline. Affected: yes. Study: VKGL Data-share Consensus. Not counted in ClinVar's aggregate classification.

Literature cited by the submitters: PubMed 27600940 (cited by 4 submitters); PubMed 30847666 (cited by 4 submitters); PubMed 36328362 (cited by Color Diagnostics, LLC DBA Color Health and Ambry Genetics).

NM_000256.3(MYBPC3):c.3103G>A (p.Ala1035Thr)

Gene: MYBPC3 (myosin binding protein C3; minus strand). Cytogenetic location: 11p11.2.
Variant type: single nucleotide variant.
Coding change: c.3103G>A on transcript NM_000256.3 (MANE Select); coding-DNA position 3103, G replaced by A.
Protein change: p.Ala1035Thr; replaces alanine 1035 with threonine.
Molecular consequence: missense variant.
Genome position (GRCh38, 1-based): chr11:47,333,644, C>T on the plus strand (G>A on the coding strand, the complement: MYBPC3 is on the minus strand). VCF-style: chr11-47333644-C-T. GRCh37 (hg19) VCF-style: chr11-47355195-C-T.
Other names: short protein forms A1035T.
Identifiers: ClinVar variation 188575 (VCV000188575.20), dbSNP rs552505566, ClinGen allele CA013485.